The following is an entry in ClinVar:

ClinVar aggregate classification (germline): Pathogenic (1 of 4 stars; one submission).

Submission:

Labcorp Genetics (formerly Invitae), Labcorp
Classification: Pathogenic. Last evaluated: 2022-11-17. Review status: criteria provided, single submitter. Criteria: Invitae Variant Classification Sherloc (09022015). Collection method: clinical testing. Allele origin: unknown.
Comment: For these reasons, this variant has been classified as Pathogenic. This variant has not been reported in the literature in individuals affected with LAMB3-related conditions. This variant is a gross deletion of the genomic region encompassing exon(s) 2-3 of the LAMB3 gene, which includes the initiator codon. This deletion extends beyond the assayed region for this gene and therefore may encompass additional genes. It is expected to result in an absent or disrupted protein product. Loss-of-function variants in LAMB3 are known to be pathogenic (PMID: 11023379, 16473856).

Literature cited by the submitters: PubMed 11023379; PubMed 16473856.

NC_000001.10:g.(?_209823299)_(209825713_?)del

Gene: LAMB3 (laminin subunit beta 3; minus strand). Cytogenetic location: 1q32.2.
Variant type: Deletion.
Identifiers: ClinVar variation 3247879 (VCV003247879.1).